The following is an entry in ClinVar:

ClinVar aggregate classification (germline): Uncertain significance. Review status: criteria provided, multiple submitters, no conflicts (2 of 4 stars). 2 submissions from 2 submitters: Uncertain significance (2). Last evaluated 2023-12-06.

Conditions:
Inborn genetic diseases. Identifiers: MedGen C0950123, MeSH D030342.

Allele frequency attached by ClinVar (database versions not stated): gnomAD exomes below 0.00001 and 0.00002; ExAC 0.00001; TOPMed 0.00002; gnomAD 0.00003 and 0.00004; ESP Exome Variant Server 0.00008.
gnomAD v4.1: 35 of 1,614,046 alleles (0.0022%); highest among the groups gnomAD compares: Non-Finnish European, 0.0025%; no homozygotes.

Submissions (2):

Labcorp Genetics (formerly Invitae), Labcorp
Classification: Uncertain significance. Last evaluated: 2023-12-06. Review status: criteria provided, single submitter. Criteria: Invitae Variant Classification Sherloc (09022015). Collection method: clinical testing. Allele origin: germline.
Comment: This sequence change replaces glycine, which is neutral and non-polar, with arginine, which is basic and polar, at codon 419 of the PARS2 protein (p.Gly419Arg). This variant is present in population databases (rs369177515, gnomAD 0.002%). This variant has not been reported in the literature in individuals affected with PARS2-related conditions. ClinVar contains an entry for this variant (Variation ID: 1484832). An algorithm developed to predict the effect of missense changes on protein structure and function (PolyPhen-2) suggests that this variant is likely to be disruptive. In summary, the available evidence is currently insufficient to determine the role of this variant in disease. Therefore, it has been classified as a Variant of Uncertain Significance.

Ambry Genetics
Classification: Uncertain significance for Inborn genetic diseases. Last evaluated: 2023-02-06. Review status: criteria provided, single submitter. Criteria: Ambry Variant Classification Scheme 2023. Collection method: clinical testing. Allele origin: germline.

NM_152268.4(PARS2):c.1255G>A (p.Gly419Arg)

Gene: PARS2 (prolyl-tRNA synthetase 2, mitochondrial; minus strand). Cytogenetic location: 1p32.3.
Variant type: single nucleotide variant.
Coding change: c.1255G>A on transcript NM_152268.4 (MANE Select); coding-DNA position 1255, G replaced by A.
Protein change: p.Gly419Arg; replaces glycine 419 with arginine.
Molecular consequence: missense variant.
Genome position (GRCh38, 1-based): chr1:54,757,907, C>T on the plus strand (G>A on the coding strand, the complement: PARS2 is on the minus strand). VCF-style: chr1-54757907-C-T. GRCh37 (hg19) VCF-style: chr1-55223580-C-T.
Other names: c.1255G>A (NM_152268.3); short protein forms G419R.
Identifiers: ClinVar variation 1484832 (VCV001484832.6), dbSNP rs369177515, ClinGen allele CA869334.
Genomic context (GRCh38, chr1:54,757,907, plus strand): 5'-TCTTGCCAGCGATTATCACAAAGGGGTAGCCAAACTTGTTGGCATCTTTCAGTCTGTTTC[C>T]GATGGTCAGATGGGTCCTGTCGTCCAGGAGCACCTCCCCGTGAAGCTGAGGCACTGCCTC-3'
Protein context (NP_689481.2, residues 409-429): LLDDRTHLTI[Gly419Arg]NRLKDANKFG